The following is an entry in ClinVar:

ClinVar aggregate classification (germline): Likely benign (0 of 4 stars; one submission).

Conditions:
ADGRV1-related disorder. Also called: ADGRV1-related disorders; ADGRV1-related condition.

gnomAD v4.1: 1 of 1,613,842 alleles (0.000062%); highest among the groups gnomAD compares: Non-Finnish European, 0.000085%; no homozygotes.

Submission:

PreventionGenetics, part of Exact Sciences
Classification: Likely benign for ADGRV1-related condition. Last evaluated: 2024-03-04. Review status: no assertion criteria provided. Collection method: clinical testing. Allele origin: germline.
Comment: This variant is classified as likely benign based on ACMG/AMP sequence variant interpretation guidelines (Richards et al. 2015 PMID: 25741868, with internal and published modifications).

NM_032119.4(ADGRV1):c.14196C>T (p.Ile4732=)

Gene: ADGRV1 (adhesion G protein-coupled receptor V1; plus strand). Cytogenetic location: 5q14.3.
Variant type: single nucleotide variant.
Coding change: c.14196C>T on transcript NM_032119.4 (MANE Select); coding-DNA position 14196, C replaced by T.
Protein change: p.Ile4732=; no amino-acid change (isoleucine 4732 retained).
Molecular consequence: synonymous variant. On other transcripts: non-coding transcript variant (1).
Genome position (GRCh38, 1-based): chr5:90,791,025, C>T. VCF-style: chr5-90791025-C-T. GRCh37 (hg19) VCF-style: chr5-90086842-C-T.
Identifiers: ClinVar variation 3349541 (VCV003349541.1).